The following is an entry in ClinVar:

NM_005732.4(RAD50):c.2872A>G (p.Met958Val)

Gene: RAD50 (RAD50 double strand break repair protein; plus strand). Cytogenetic location: 5q31.1.
Variant type: single nucleotide variant.
Coding change: c.2872A>G on transcript NM_005732.4 (MANE Select); coding-DNA position 2872, A replaced by G.
Protein change: p.Met958Val; replaces methionine 958 with valine.
Molecular consequence: missense variant.
Genome position (GRCh38, 1-based): chr5:132,609,159, A>G. VCF-style: chr5-132609159-A-G. GRCh37 (hg19) VCF-style: chr5-131944851-A-G.
Other names: short protein forms M958V.
Identifiers: ClinVar variation 640166 (VCV000640166.11), dbSNP rs570502111, ClinGen allele CA3405472.

ClinVar aggregate classification (germline): Conflicting classifications of pathogenicity. Review status: criteria provided, conflicting classifications (1 of 4 stars). 2 submissions from 2 submitters: Uncertain significance (1); Likely benign (1). Last evaluated 2024-07-08.

Conditions:
Hereditary cancer-predisposing syndrome. Also called: Neoplastic Syndromes, Hereditary; Tumor predisposition; Hereditary Cancer Syndrome; Hereditary neoplastic syndrome. Identifiers: Orphanet 140162, MedGen C0027672, MeSH D009386, MONDO:0015356.

Allele frequency attached by ClinVar (database versions not stated): gnomAD below 0.00001 and 0.00003; gnomAD exomes 0.00003 and 0.00004; ExAC 0.00005; 1000 Genomes Project 30x 0.00031; 1000 Genomes Project 0.00040.
gnomAD v4.1: 22 of 1,611,960 alleles (0.0014%); highest among the groups gnomAD compares: South Asian, 0.023%; no homozygotes.

Submissions (2):

Labcorp Genetics (formerly Invitae), Labcorp
Classification: Uncertain significance for Hereditary cancer-predisposing syndrome. Last evaluated: 2024-07-08. Review status: criteria provided, single submitter. Criteria: Invitae Variant Classification Sherloc (09022015). Collection method: clinical testing. Allele origin: germline.
Comment: This sequence change replaces methionine, which is neutral and non-polar, with valine, which is neutral and non-polar, at codon 958 of the RAD50 protein (p.Met958Val). This variant is present in population databases (rs570502111, gnomAD 0.03%). This variant has not been reported in the literature in individuals affected with RAD50-related conditions. ClinVar contains an entry for this variant (Variation ID: 640166). Advanced modeling of protein sequence and biophysical properties (such as structural, functional, and spatial information, amino acid conservation, physicochemical variation, residue mobility, and thermodynamic stability) performed at Invitae indicates that this missense variant is not expected to disrupt RAD50 protein function with a negative predictive value of 80%. In summary, the available evidence is currently insufficient to determine the role of this variant in disease. Therefore, it has been classified as a Variant of Uncertain Significance.

Ambry Genetics
Classification: Likely benign for Hereditary cancer-predisposing syndrome. Last evaluated: 2021-07-18. Review status: criteria provided, single submitter. Criteria: Ambry Variant Classification Scheme 2023. Collection method: clinical testing. Allele origin: germline.